The following is an entry in ClinVar:

ClinVar aggregate classification (germline): Uncertain significance. Review status: criteria provided, multiple submitters, no conflicts (2 of 4 stars). 5 submissions from 5 submitters: Uncertain significance (5). Last evaluated 2025-09-05.

Conditions:
Marfan syndrome (MFS). Also called: MARFAN SYNDROME, TYPE I; FBN1-Related Marfan Syndrome; Marfan syndrome, classic; Marfan syndrome type 1; Marfan's syndrome. Identifiers: Orphanet 284963, Orphanet 558, MedGen C0024796, MONDO:0007947, OMIM 154700.
Familial thoracic aortic aneurysm and aortic dissection (TAAD). Also called: Thoracic aortic aneurysms and dissections. Identifiers: Orphanet 91387, MedGen C4707243, MONDO:0019625.

Allele frequency attached by ClinVar (database versions not stated): gnomAD exomes below 0.00001; TOPMed below 0.00001.
gnomAD v4.1: 3 of 1,613,830 alleles (0.00019%); highest among the groups gnomAD compares: Admixed American, 0.0017%; no homozygotes.

Submissions (5):

Color Diagnostics, LLC DBA Color Health
Classification: Uncertain significance for Familial thoracic aortic aneurysm and aortic dissection. Last evaluated: 2025-09-05. Review status: criteria provided, single submitter. Criteria: ACMG Guidelines, 2015. Collection method: clinical testing. Allele origin: germline.
Comment: This missense variant replaces proline with alanine at codon 399 of the FBN1 protein. Computational prediction suggests that this variant may not impact protein structure and function. To our knowledge, functional studies have not been reported for this variant. This variant has not been reported in individuals affected with FBN1-related disorders in the literature. This variant has been identified in 1/250570 chromosomes in the general population by the Genome Aggregation Database (gnomAD). The available evidence is insufficient to determine the role of this variant in disease conclusively. Therefore, this variant is classified as a Variant of Uncertain Significance.

Genetics Department, Catlab
Classification: Uncertain significance for Marfan syndrome. Last evaluated: 2025-07-18. Review status: criteria provided, single submitter. Criteria: ACMG Guidelines, 2015. Collection method: clinical testing. Allele origin: germline. Affected: yes. Observed: 1 variant allele.
Comment: The c.1195C>G variant creates a proline for alanine change in position 399 of the protein. With the available evidence, the variant does not meet any of the criteria according to the ClinGen FBN1 Expert Panel Specifications to the ACMG/AMP Variant Interpretation Guidelines Version 1.

All of Us Research Program, National Institutes of Health
Classification: Uncertain significance for Marfan syndrome. Last evaluated: 2024-08-30. Review status: criteria provided, single submitter. Criteria: ACMG Guidelines, 2015. Collection method: clinical testing. Allele origin: germline. Inheritance: Autosomal dominant inheritance. Observed: 2 variant alleles, 2 heterozygotes.
Comment: This missense variant replaces proline with alanine at codon 399 of the FBN1 protein. Computational prediction suggests that this variant may not impact protein structure and function (internally defined REVEL score threshold <= 0.5, PMID: 27666373). To our knowledge, functional studies have not been reported for this variant. This variant has not been reported in individuals affected with FBN1-related disorders in the literature. This variant has been identified in 1/250570 chromosomes in the general population by the Genome Aggregation Database (gnomAD). The available evidence is insufficient to determine the role of this variant in disease conclusively. Therefore, this variant is classified as a Variant of Uncertain Significance.

This study involves interpretation of variants in research participants for the purpose of population health screening. Participant phenotype was not available at the time of variant classification. Additional details can be found in publication PMID: 35346344, PMCID: PMC8962531

Labcorp Genetics (formerly Invitae), Labcorp
Classification: Uncertain significance for Marfan syndrome; Familial thoracic aortic aneurysm and aortic dissection. Last evaluated: 2022-08-31. Review status: criteria provided, single submitter. Criteria: Invitae Variant Classification Sherloc (09022015). Collection method: clinical testing. Allele origin: germline.
Comment: In summary, the available evidence is currently insufficient to determine the role of this variant in disease. Therefore, it has been classified as a Variant of Uncertain Significance. Algorithms developed to predict the effect of missense changes on protein structure and function (SIFT, PolyPhen-2, Align-GVGD) all suggest that this variant is likely to be tolerated. ClinVar contains an entry for this variant (Variation ID: 264435). This variant has not been reported in the literature in individuals affected with FBN1-related conditions. This variant is present in population databases (no rsID available, gnomAD 0.0009%). This sequence change replaces proline, which is neutral and non-polar, with alanine, which is neutral and non-polar, at codon 399 of the FBN1 protein (p.Pro399Ala).

Ambry Genetics
Classification: Uncertain significance for Familial thoracic aortic aneurysm and aortic dissection. Last evaluated: 2015-09-29. Review status: criteria provided, single submitter. Criteria: Ambry Variant Classification Scheme 2023. Collection method: clinical testing. Allele origin: germline.
Comment: The p.P399A variant (also known as c.1195C>G), located in coding exon 10 of the FBN1 gene, results from a C to G substitution at nucleotide position 1195. The proline at codon 399 is replaced by alanine, an amino acid with highly similar properties. This variant was not reported in population based cohorts in the following databases: Database of Single Nucleotide Polymorphisms (dbSNP), NHLBI Exome Sequencing Project (ESP), and 1000 Genomes Project. In the ESP, this variant was not observed in 6493 samples (12986 alleles) with coverage at this position. This amino acid position is highly conserved in available vertebrate species. In addition, this alteration is predicted to be probably damaging yet tolerated by PolyPhen and SIFT in silico analyses, respectively. Since supporting evidence is limited at this time, the clinical significance of this variant remains unclear.

NM_000138.5(FBN1):c.1195C>G (p.Pro399Ala)

Gene: FBN1 (fibrillin 1; minus strand). Cytogenetic location: 15q21.1.
Variant type: single nucleotide variant.
Coding change: c.1195C>G on transcript NM_000138.5 (MANE Select); coding-DNA position 1195, C replaced by G.
Protein change: p.Pro399Ala; replaces proline 399 with alanine.
Molecular consequence: missense variant.
Genome position (GRCh38, 1-based): chr15:48,516,315, G>C on the plus strand (C>G on the coding strand, the complement: FBN1 is on the minus strand). VCF-style: chr15-48516315-G-C. GRCh37 (hg19) VCF-style: chr15-48808512-G-C.
Other names: short protein forms P399A.
Identifiers: ClinVar variation 264435 (VCV000264435.16), dbSNP rs886039155, ClinGen allele CA10587862.